The following is an entry in ClinVar:

NC_000007.13:g.(?_146471343)_(146741166_?)del

Gene: CNTNAP2 (contactin associated protein 2; plus strand). Cytogenetic location: 7q35.
Variant type: Deletion.
Identifiers: ClinVar variation 3245761 (VCV003245761.1).

ClinVar aggregate classification (germline): Pathogenic (1 of 4 stars; one submission).

Conditions:
Cortical dysplasia-focal epilepsy syndrome (PTHSL1). Also called: Pitt-Hopkins-like syndrome 1. Identifiers: Orphanet 163681, Orphanet 221150, MedGen C2750246, MONDO:0012400, OMIM 610042.

Submission:

Labcorp Genetics (formerly Invitae), Labcorp
Classification: Pathogenic for Cortical dysplasia-focal epilepsy syndrome. Last evaluated: 2023-03-31. Review status: criteria provided, single submitter. Criteria: Invitae Variant Classification Sherloc (09022015). Collection method: clinical testing. Allele origin: unknown.
Comment: For these reasons, this variant has been classified as Pathogenic. This variant disrupts a region of the CNTNAP2 protein in which other variant(s) (Deletion (Exon 2)) have been determined to be pathogenic (PMID: 33895390). This suggests that this is a clinically significant region of the protein, and that variants that disrupt it are likely to be disease-causing. A similar copy number variant has been observed in individual(s) with CNTNAP2-related conditions (PMID: 20502679, 23074684). This variant is a gross deletion of the genomic region encompassing exon(s) 2-4 of the CNTNAP2 gene. This variant would be expected to be in-frame, preserving the integrity of the reading frame.

Literature cited by the submitters: PubMed 33895390; PubMed 20502679; PubMed 23074684.